The following is an entry in ClinVar:

ClinVar aggregate classification (germline): Uncertain significance. Review status: criteria provided, multiple submitters, no conflicts (2 of 4 stars). 2 submissions from 2 submitters: Uncertain significance (2). Last evaluated 2025-07-02.

Conditions:
Inborn genetic diseases. Identifiers: MedGen C0950123, MeSH D030342.

Allele frequency attached by ClinVar (database versions not stated): gnomAD exomes below 0.00001 and 0.00001; ExAC 0.00003; TOPMed 0.00005; gnomAD 0.00006.
gnomAD v4.1: 10 of 1,607,764 alleles (0.00062%); highest among the groups gnomAD compares: African/African-American, 0.013%; no homozygotes.

Submissions (2):

Ambry Genetics
Classification: Uncertain significance for Inborn genetic diseases. Last evaluated: 2025-07-02. Review status: criteria provided, single submitter. Criteria: Ambry Variant Classification Scheme 2023. Collection method: clinical testing. Allele origin: germline.

GeneDx
Classification: Uncertain significance. Last evaluated: 2019-04-16. Review status: criteria provided, single submitter. Criteria: GeneDx Variant Classification Process June 2021. Collection method: clinical testing. Allele origin: germline. Affected: yes.
Comment: Has not been previously published as pathogenic or benign to our knowledge

NM_001379210.1(SLC25A26):c.547G>T (p.Ala183Ser)

Gene: SLC25A26 (solute carrier family 25 member 26; plus strand). Cytogenetic location: 3p14.1.
Variant type: single nucleotide variant.
Coding change: c.547G>T on transcript NM_001379210.1 (MANE Select); coding-DNA position 547, G replaced by T.
Protein change: p.Ala183Ser; replaces alanine 183 with serine.
Molecular consequence: missense variant. On other transcripts: non-coding transcript variant (10).
Genome position (GRCh38, 1-based): chr3:66,362,908, G>T. VCF-style: chr3-66362908-G-T. GRCh37 (hg19) VCF-style: chr3-66413332-G-T.
Other names: c.283G>T, p.Ala95Ser (NM_001164796.1, NM_001350993.1, NM_001400709.1 and 1 more transcripts); c.547G>T, p.Ala183Ser (NM_001400705.1, NM_173471.4); c.502G>T, p.Ala168Ser (NM_001400707.1); c.238G>T, p.Ala80Ser (NM_001400714.1); short protein forms A168S, A183S, A80S, A95S.
Identifiers: ClinVar variation 1700531 (VCV001700531.3), dbSNP rs751973282, ClinGen allele CA2483770.
Genomic context (GRCh38, chr3:66,362,908, plus strand): 5'-CCTTAAACACAGGCCCTCTGGTCCTGGAGGCAGGATCATGTGGTGGATTCTTGGCAGTCA[G>T]CAGTCTGTGGAGCTTTTGCAGGTGCAAAGGATTATATTATACTGGGAAAGACCAAAGAGG-3'
Protein context (NP_001366139.1, residues 173-193): QDHVVDSWQS[Ala183Ser]VCGAFAGGFA